The following is an entry in ClinVar:

GRCh37/hg19 22q13.31-13.33(chr22:44390702-51137629)x1

Genes: ADM2 (adrenomedullin 2; plus strand), ALG12 (ALG12 alpha-1,6-mannosyltransferase; minus strand), ARHGAP8 (Rho GTPase activating protein 8; plus strand), ARSA (arylsulfatase A; minus strand), ATXN10 (ataxin 10; plus strand) and 61 more. Cytogenetic location: 22q13.31-13.33.
Variant type: copy number loss.
Change: copy number 1 (one copy instead of two) of chr22:44,390,702-51,137,629 (6.75 Mb, GRCh37 coordinates, 1-based), cytogenetic band 22q13.31-13.33.
Identifiers: ClinVar variation 1808266 (VCV001808266.1).

ClinVar aggregate classification (germline): Pathogenic (1 of 4 stars; one submission).

Submission:

Quest Diagnostics Nichols Institute San Juan Capistrano
Classification: Pathogenic. Last evaluated: 2022-06-01. Review status: criteria provided, single submitter. Criteria: ACMG/ClinGen CNV Guidelines, 2019. Collection method: clinical testing. Allele origin: unknown.
Comment: The copy number loss of 22q13.2q13.33 involves multiple coding genes, including several exons from the 5' portion of SHANK3 (OMIM 606230). Haploinsufficiency of SHANK3 is associated with Phelan-McDermid syndrome (PHMDS; OMIM 606232). The clinical features of the syndromeare variable, and include neonatal hypotonia, global developmental delay, normal to accelerated growth, absent to severely delayed speech, autistic behavior, seizures, and minor dysmorphic features. There may be a genotype-phenotype correlation with respect to thesize of the deleted segment, however, the correlation is not 100%, as the clinical features in individuals with the same size deletion may vary significantly. The loss of 22q13.3 can result from simple deletion, unbalanced translocation, ring chromosome formation and less common structural changes affecting the long arm of chromosome22 (Phelan 2008; Sarasua 2014; Zwanenburg 2016; Phelan 2001). Although SHANK3 is the primary phenotype gene for the neurologicalfeatures of the syndrome, haploinsufficiency of other genes likely contributes to the phenotype, as well. (Disciglio 2014).References:Disciglio et al. Am J Med Genet A. 2014;164A(7):1666-76. PMID:24700646.Phelan. Orphanet J Rare Dis. 2008;3:14. PMID: 18505557.Phelan et al. Am J Med Genet. 2001;101(2):91-9. PMID: 11391650. Phelan K and McDermid HE. The 22q13.3 Deletion Syndrome(Phelan-McDermid Syndrome). Mol Syndromol. 2012;2(3-5):186-201.PMID:?22670140 .Phelan K, Rogers RC, Boccuto L. Phelan-McDermid Syndrome. 2005 May 11[Updated 2018 Jun 7]. In GeneReviews (available from ). Sarasua et al. Hum Genet. 2014;133(7):847-59. PMID: 24481935.Ziats et al. Eur J Med Genet. 2020;63(11):104042. PMID: 32822873.Zwanenburg et al. J Neurodev Disord. 2016;8:16. PMID: 27118998.